The following is an entry in ClinVar:

ClinVar aggregate classification (germline): Likely benign (1 of 4 stars; one submission).

Allele frequency attached by ClinVar (database versions not stated): gnomAD exomes 0.00004; ExAC 0.00023; ESP Exome Variant Server 0.00041.

Submission:

CeGaT Center for Human Genetics Tuebingen
Classification: Likely benign. Last evaluated: 2022-11-01. Review status: criteria provided, single submitter. Criteria: CeGaT Center For Human Genetics Tuebingen Variant Classification Criteria Version 2. Collection method: clinical testing. Allele origin: germline. Affected: yes. Observed: 1 variant allele.
Comment: CRIPAK: BP4, BP7

NM_175918.3(CRIPAK):c.552G>A (p.Thr184=)

Genes: CRIPAK (cysteine rich PAK1 inhibitor; plus strand), UVSSA (UV stimulated scaffold protein A; plus strand), LOC126806945 (P300/CBP strongly-dependent group 1 enhancer GRCh37_chr4:1388225-1389424; plus strand). Cytogenetic location: 4p16.3.
Variant type: single nucleotide variant.
Coding change: c.552G>A on transcript NM_175918.3; coding-DNA position 552, G replaced by A.
Protein change: p.Thr184=; no amino-acid change (threonine 184 retained).
Molecular consequence: synonymous variant.
Genome position (GRCh38, 1-based): chr4:1,395,063, G>A. VCF-style: chr4-1395063-G-A. GRCh37 (hg19) VCF-style: chr4-1388851-G-A.
Identifiers: ClinVar variation 2654570 (VCV002654570.24), dbSNP rs377713366, ClinGen allele CA2806978.
Genomic context (GRCh38, chr4:1,395,063, plus strand): 5'-GGAGTGCCCGCCTGCTCACACGTGCCCATGTGGAGTGCCCGCCTGCTCACACGTGCCAAC[G>A]TGGAGTGCCCGCCTGATCACACGTGCCCATGTGGAGTGCTCGCCTGCTCACACGTGCCGA-3'